The following is an entry in ClinVar:

NM_025216.3(WNT10A):c.814C>T (p.Gln272Ter)

Gene: WNT10A (Wnt family member 10A; plus strand). Cytogenetic location: 2q35.
Variant type: single nucleotide variant.
Coding change: c.814C>T on transcript NM_025216.3 (MANE Select); coding-DNA position 814, C replaced by T.
Protein change: p.Gln272Ter; replaces glutamine 272 with a stop codon.
Molecular consequence: nonsense.
Genome position (GRCh38, 1-based): chr2:218,892,831, C>T. VCF-style: chr2-218892831-C-T. GRCh37 (hg19) VCF-style: chr2-219757553-C-T.
Other names: short protein forms Q272*.
Identifiers: ClinVar variation 841749 (VCV000841749.16), dbSNP rs773036759, ClinGen allele CA2114047.

ClinVar aggregate classification (germline): Pathogenic/Likely pathogenic. Review status: criteria provided, multiple submitters, no conflicts (2 of 4 stars). 4 submissions from 4 submitters: Pathogenic (1); Likely pathogenic (3). Last evaluated 2025-12-10.

Conditions:
Odonto-onycho-dermal dysplasia. Identifiers: Orphanet 2721, MedGen C0796093, MONDO:0009773, OMIM 257980.
Tooth agenesis, selective, 4 (STHAG4). Also called: SUCCEDANEOUS TEETH, AGENESIS OF; TOOTH AGENESIS, SELECTIVE, 4, WITH OR WITHOUT ECTODERMAL DYSPLASIA; LATERAL INCISORS, ABSENCE OF; LATERAL INCISORS, PEGGED OR MISSING. Identifiers: Orphanet 99798, MedGen C1835492, MONDO:0007881, OMIM 150400. Disease mechanism: loss of function.
Schöpf-Schulz-Passarge syndrome. Also called: SchC6pf-Schulz-Passarge syndrome; ECCRINE TUMORS WITH ECTODERMAL DYSPLASIA; KERATOSIS PALMOPLANTARIS WITH CYSTIC EYELIDS, HYPODONTIA, AND HYPOTRICHOSIS. Identifiers: Orphanet 50944, MedGen C1857069, MONDO:0009145, OMIM 224750.

Allele frequency attached by ClinVar (database versions not stated): gnomAD exomes below 0.00001; ExAC 0.00003.
gnomAD v4.1: 2 of 1,596,258 alleles (0.00013%); highest among the groups gnomAD compares: South Asian, 0.0011%; no homozygotes.

Submissions (4):

Labcorp Genetics (formerly Invitae), Labcorp
Classification: Pathogenic for Tooth agenesis, selective, 4; Odonto-onycho-dermal dysplasia. Last evaluated: 2025-12-10. Review status: criteria provided, single submitter. Criteria: Invitae Variant Classification Sherloc (09022015). Collection method: clinical testing. Allele origin: germline.
Comment: This sequence change creates a premature translational stop signal (p.Gln272*) in the WNT10A gene. While this is not anticipated to result in nonsense mediated decay, it is expected to disrupt the last 146 amino acid(s) of the WNT10A protein. The frequency data for this variant in the population databases is considered unreliable, as metrics indicate poor data quality at this position in the gnomAD database. This variant has not been reported in the literature in individuals affected with WNT10A-related conditions. ClinVar contains an entry for this variant (Variation ID: 841749). This variant disrupts a region of the WNT10A protein in which other variant(s) (p.Cys376*) have been determined to be pathogenic (PMID: 19559398). This suggests that this is a clinically significant region of the protein, and that variants that disrupt it are likely to be disease-causing. For these reasons, this variant has been classified as Pathogenic.

Fulgent Genetics
Classification: Likely pathogenic for Tooth agenesis, selective, 4; Schöpf-Schulz-Passarge syndrome; Odonto-onycho-dermal dysplasia. Last evaluated: 2022-02-14. Review status: criteria provided, single submitter. Criteria: ACMG Guidelines, 2015. Collection method: clinical testing. Allele origin: unknown.

MGZ Medical Genetics Center
Classification: Likely pathogenic for Tooth agenesis, selective, 4. Last evaluated: 2021-07-22. Review status: criteria provided, single submitter. Criteria: ACMG Guidelines, 2015. Collection method: clinical testing. Allele origin: germline. Affected: yes. Observed: 1 variant allele.
Comment: ACMG criteria applied: PVS1, PM2_SUP

Revvity Omics, Revvity
Classification: Likely pathogenic. Last evaluated: 2019-12-23. Review status: criteria provided, single submitter. Criteria: ACMG Guidelines, 2015. Collection method: clinical testing. Allele origin: germline.

Literature cited by the submitters: PubMed 19559398 (cited by Labcorp Genetics (formerly Invitae), Labcorp).